The following is an entry in ClinVar:

ClinVar aggregate classification (germline): Uncertain significance (1 of 4 stars; one submission).

Allele frequency attached by ClinVar (database versions not stated): gnomAD exomes below 0.00001.
gnomAD v4.1: 2 of 1,613,944 alleles (0.00012%); highest among the groups gnomAD compares: Non-Finnish European, 0.00017%; no homozygotes.

Submission:

Labcorp Genetics (formerly Invitae), Labcorp
Classification: Uncertain significance. Last evaluated: 2024-12-23. Review status: criteria provided, single submitter. Criteria: Invitae Variant Classification Sherloc (09022015). Collection method: clinical testing. Allele origin: germline.
Comment: This sequence change replaces threonine, which is neutral and polar, with alanine, which is neutral and non-polar, at codon 610 of the IL23R protein (p.Thr610Ala). This variant is present in population databases (no rsID available, gnomAD 0.002%). This variant has not been reported in the literature in individuals affected with IL23R-related conditions. ClinVar contains an entry for this variant (Variation ID: 2775713). An algorithm developed to predict the effect of missense changes on protein structure and function (PolyPhen-2) suggests that this variant is likely to be tolerated. In summary, the available evidence is currently insufficient to determine the role of this variant in disease. Therefore, it has been classified as a Variant of Uncertain Significance.

NM_144701.3(IL23R):c.1828A>G (p.Thr610Ala)

Gene: IL23R (interleukin 23 receptor; plus strand). Cytogenetic location: 1p31.3.
Variant type: single nucleotide variant.
Coding change: c.1828A>G on transcript NM_144701.3 (MANE Select); coding-DNA position 1828, A replaced by G.
Protein change: p.Thr610Ala; replaces threonine 610 with alanine.
Molecular consequence: missense variant.
Genome position (GRCh38, 1-based): chr1:67,259,066, A>G. VCF-style: chr1-67259066-A-G. GRCh37 (hg19) VCF-style: chr1-67724749-A-G.
Other names: short protein forms T610A.
Identifiers: ClinVar variation 2775713 (VCV002775713.3), dbSNP rs1468346338, ClinGen allele CA340729800.
Genomic context (GRCh38, chr1:67,259,066, plus strand): 5'-CTTCCTGATGAATTTGTCTCCTGTTTGGGGATCGTGAATGAGGAGTTGCCATCTATTAAT[A>G]CTTATTTTCCACAAAATATTTTGGAAAGCCACTTCAATAGGATTTCACTCTTGGAAAAGT-3'
Protein context (NP_653302.2, residues 600-620): IVNEELPSIN[Thr610Ala]YFPQNILESH